The following is an entry in ClinVar:

NM_001384317.1(ZHX3):c.206G>A (p.Arg69Gln)

Gene: ZHX3 (zinc fingers and homeoboxes 3; minus strand). Cytogenetic location: 20q12.
Variant type: single nucleotide variant.
Coding change: c.206G>A on transcript NM_001384317.1 (MANE Select); coding-DNA position 206, G replaced by A.
Protein change: p.Arg69Gln; replaces arginine 69 with glutamine.
Molecular consequence: missense variant.
Genome position (GRCh38, 1-based): chr20:41,204,711, C>T on the plus strand (G>A on the coding strand, the complement: ZHX3 is on the minus strand). VCF-style: chr20-41204711-C-T. GRCh37 (hg19) VCF-style: chr20-39833351-C-T.
Other names: c.206G>A, p.Arg69Gln (NM_001384315.1, NM_001384316.1, NM_001384318.1 and 8 more transcripts); short protein forms R69Q.
Identifiers: ClinVar variation 4749282 (VCV004749282.1).
Genomic context (GRCh38, chr20:41,204,711, plus strand): 5'-ATGTCATGGGATCTGAAATCGCAGTATTTACAGGAATATAAATAGCCATCTAAAGTGCTC[C>T]GATGCCCATTGGCCAGTGTAGAGCCATCAGTACTGCTGGGGTTCTGTGCTGCCTCACTGC-3'
Protein context (NP_001371246.1, residues 59-79): TDGSTLANGH[Arg69Gln]STLDGYLYSC

ClinVar aggregate classification (germline): Uncertain significance (1 of 4 stars; one submission).

gnomAD v4.1: 25 of 1,614,130 alleles (0.0015%); highest among the groups gnomAD compares: African/African-American, 0.0027%; no homozygotes.

Submission:

Labcorp Genetics (formerly Invitae), Labcorp
Classification: Uncertain significance. Last evaluated: 2025-02-07. Review status: criteria provided, single submitter. Criteria: Invitae Variant Classification Sherloc (09022015). Collection method: clinical testing. Allele origin: germline.
Comment: This sequence change replaces arginine, which is basic and polar, with glutamine, which is neutral and polar, at codon 69 of the ZHX3 protein (p.Arg69Gln). This variant is present in population databases (no rsID available, gnomAD 0.0009%). This variant has not been reported in the literature in individuals affected with ZHX3-related conditions. An algorithm developed to predict the effect of missense changes on protein structure and function outputs the following: PolyPhen-2: "Benign". The glutamine amino acid residue is found in multiple mammalian species, which suggests that this missense change does not adversely affect protein function. In summary, the available evidence is currently insufficient to determine the role of this variant in disease. Therefore, it has been classified as a Variant of Uncertain Significance.